The following is an entry in ClinVar:

NM_181507.2(HPS5):c.1628A>C (p.Lys543Thr)

Gene: HPS5 (HPS5 biogenesis of lysosomal organelles complex 2 subunit 2; minus strand). Cytogenetic location: 11p15.1.
Variant type: single nucleotide variant.
Coding change: c.1628A>C on transcript NM_181507.2 (MANE Select); coding-DNA position 1628, A replaced by C.
Protein change: p.Lys543Thr; replaces lysine 543 with threonine.
Molecular consequence: missense variant.
Genome position (GRCh38, 1-based): chr11:18,296,005, T>G on the plus strand (A>C on the coding strand, the complement: HPS5 is on the minus strand). VCF-style: chr11-18296005-T-G. GRCh37 (hg19) VCF-style: chr11-18317552-T-G.
Other names: c.1286A>C, p.Lys429Thr (NM_007216.4, NM_181508.2); short protein forms K429T, K543T.
Identifiers: ClinVar variation 3617502 (VCV003617502.2).

ClinVar aggregate classification (germline): Uncertain significance (1 of 4 stars; one submission).

gnomAD v4.1: 1 of 1,613,582 alleles (0.000062%); highest among the groups gnomAD compares: Non-Finnish European, 0.000085%; no homozygotes.

Submission:

Labcorp Genetics (formerly Invitae), Labcorp
Classification: Uncertain significance. Last evaluated: 2024-04-23. Review status: criteria provided, single submitter. Criteria: Invitae Variant Classification Sherloc (09022015). Collection method: clinical testing. Allele origin: germline.
Comment: This sequence change replaces lysine, which is basic and polar, with threonine, which is neutral and polar, at codon 543 of the HPS5 protein (p.Lys543Thr). This variant is not present in population databases (gnomAD no frequency). This variant has not been reported in the literature in individuals affected with HPS5-related conditions. An algorithm developed to predict the effect of missense changes on protein structure and function (PolyPhen-2) suggests that this variant is likely to be disruptive. In summary, the available evidence is currently insufficient to determine the role of this variant in disease. Therefore, it has been classified as a Variant of Uncertain Significance.